The following is an entry in ClinVar:

ClinVar aggregate classification (germline): Uncertain significance. Review status: criteria provided, multiple submitters, no conflicts (2 of 4 stars). 2 submissions from 2 submitters: Uncertain significance (2). Last evaluated 2025-08-06.

Conditions:
Inborn genetic diseases. Identifiers: MedGen C0950123, MeSH D030342.

Allele frequency attached by ClinVar (database versions not stated): TOPMed below 0.00001; gnomAD 0.00001; gnomAD exomes 0.00001; ExAC 0.00002.

Submissions (2):

Ambry Genetics
Classification: Uncertain significance for Inborn genetic diseases. Last evaluated: 2025-08-06. Review status: criteria provided, single submitter. Criteria: Ambry Variant Classification Scheme 2023. Collection method: clinical testing. Allele origin: germline.

Labcorp Genetics (formerly Invitae), Labcorp
Classification: Uncertain significance. Last evaluated: 2025-08-04. Review status: criteria provided, single submitter. Criteria: Invitae Variant Classification Sherloc (09022015). Collection method: clinical testing. Allele origin: germline.
Comment: This sequence change replaces glycine, which is neutral and non-polar, with valine, which is neutral and non-polar, at codon 3076 of the SZT2 protein (p.Gly3076Val). This variant is present in population databases (rs766686663, gnomAD 0.002%). This variant has not been reported in the literature in individuals affected with SZT2-related conditions. ClinVar contains an entry for this variant (Variation ID: 857048). Invitae Evidence Modeling of protein sequence and biophysical properties (such as structural, functional, and spatial information, amino acid conservation, physicochemical variation, residue mobility, and thermodynamic stability) has been performed for this missense variant. However, the output from this modeling did not meet the statistical confidence thresholds required to predict the impact of this variant on SZT2 protein function. In summary, the available evidence is currently insufficient to determine the role of this variant in disease. Therefore, it has been classified as a Variant of Uncertain Significance.

NM_001365999.1(SZT2):c.9398G>T (p.Gly3133Val)

Gene: SZT2 (SZT2 subunit of KICSTOR complex; plus strand). Cytogenetic location: 1p34.2.
Variant type: single nucleotide variant.
Coding change: c.9398G>T on transcript NM_001365999.1 (MANE Select); coding-DNA position 9398, G replaced by T.
Protein change: p.Gly3133Val; replaces glycine 3133 with valine.
Molecular consequence: missense variant.
Genome position (GRCh38, 1-based): chr1:43,447,656, G>T. VCF-style: chr1-43447656-G-T. GRCh37 (hg19) VCF-style: chr1-43913327-G-T.
Other names: c.9227G>T, p.Gly3076Val (NM_015284.4); short protein forms G3133V, G3076V.
Identifiers: ClinVar variation 857048 (VCV000857048.9), dbSNP rs766686663, ClinGen allele CA810894.